The following is an entry in ClinVar:

NM_002296.4(LBR):c.788T>C (p.Leu263Pro)

Gene: LBR (lamin B receptor; minus strand). Cytogenetic location: 1q42.12.
Variant type: single nucleotide variant.
Coding change: c.788T>C on transcript NM_002296.4 (MANE Select); coding-DNA position 788, T replaced by C.
Protein change: p.Leu263Pro; replaces leucine 263 with proline.
Molecular consequence: missense variant.
Genome position (GRCh38, 1-based): chr1:225,418,033, A>G on the plus strand (T>C on the coding strand, the complement: LBR is on the minus strand). VCF-style: chr1-225418033-A-G. GRCh37 (hg19) VCF-style: chr1-225605735-A-G.
Other names: c.788T>C, p.Leu263Pro (NM_194442.3); short protein forms L263P.
Identifiers: ClinVar variation 2994612 (VCV002994612.3), dbSNP rs774504905, ClinGen allele CA1417378.

ClinVar aggregate classification (germline): Uncertain significance (1 of 4 stars; one submission).

Allele frequency attached by ClinVar (database versions not stated): ExAC 0.00002; gnomAD exomes 0.00001; gnomAD 0.00002; TOPMed 0.00002.
gnomAD v4.1: 13 of 1,614,104 alleles (0.00081%); highest among the groups gnomAD compares: Non-Finnish European, 0.0011%; no homozygotes.

Submission:

Labcorp Genetics (formerly Invitae), Labcorp
Classification: Uncertain significance. Last evaluated: 2026-02-01. Review status: criteria provided, single submitter. Criteria: Invitae Variant Classification Sherloc (09022015). Collection method: clinical testing. Allele origin: germline.
Comment: This sequence change replaces leucine, which is neutral and non-polar, with proline, which is neutral and non-polar, at codon 263 of the LBR protein (p.Leu263Pro). This variant is present in population databases (rs774504905, gnomAD 0.003%). This variant has not been reported in the literature in individuals affected with LBR-related conditions. ClinVar contains an entry for this variant (Variation ID: 2994612). Invitae Evidence Modeling of protein sequence and biophysical properties (such as structural, functional, and spatial information, amino acid conservation, physicochemical variation, residue mobility, and thermodynamic stability) has been performed for this missense variant. However, the output from this modeling did not meet the statistical confidence thresholds required to predict the impact of this variant on LBR protein function. In summary, the available evidence is currently insufficient to determine the role of this variant in disease. Therefore, it has been classified as a Variant of Uncertain Significance.